The following is an entry in ClinVar:

NM_000533.5(PLP1):c.254dup (p.Leu86fs)

Genes: PLP1 (proteolipid protein 1; plus strand), RAB9B (RAB9B, member RAS oncogene family; minus strand). Cytogenetic location: Xq22.2.
Variant type: Duplication.
Coding change: c.254dup on transcript NM_000533.5 (MANE Select); coding-DNA position 254, one base duplicated (T; older notation c.254dupT).
Protein change: p.Leu86fs; shifts the reading frame from leucine 86.
Molecular consequence: frameshift variant.
Genome position (GRCh38, 1-based): chrX:103,786,527, T duplicated. VCF-style (leftmost placement, unchanged base first): chrX-103786526-C-CT. GRCh37 (hg19) VCF-style: chrX-103041455-C-CT.
Other names: c.254dup, p.Leu86fs (NM_001128834.3, NM_199478.3); c.89dup, p.Leu31fs (NM_001305004.1); short protein forms L31fs, L86fs.
Identifiers: ClinVar variation 3383221 (VCV003383221.1).
Genomic context (GRCh38, chrX:103,786,526, plus strand): 5'-ATCCATGCCTTCCAGTATGTCATCTATGGAACTGCCTCTTTCTTCTTCCTTTATGGGGCC[C>CT]TCCTGCTGGCTGAGGGCTTCTACACCACCGGCGCAGTCAGGCAGATCTTTGGCGACTACA-3'

ClinVar aggregate classification (germline): Likely pathogenic (1 of 4 stars; one submission).

Conditions:
Pelizaeus-Merzbacher disease. Also called: Sudanophilic leukodystrophy; Pelizaeus-Merzbacher spectrum disorder; Pelizaeus-Merzbacher Disease (PMD); LEUKODYSTROPHY, HYPOMYELINATING, 1; Pelizeaus-Merzbacher spectrum disorder. Identifiers: Orphanet 702, MedGen C0205711, MONDO:0010714, OMIM 312080, HP:0003269.

Submission:

MVZ Medizinische Genetik Mainz
Classification: Likely pathogenic for Pelizaeus-Merzbacher disease. Last evaluated: 2024-10-18. Review status: criteria provided, single submitter. Criteria: UK Practice Guidelines For Variant Classification V4 01 2020. Collection method: clinical testing. Allele origin: germline. Inheritance: X-linked dominant inheritance. Affected: yes. Observed: 1 variant allele.
Comment: ACMG Criteria: PVS1,PM2_SUP